The following is an entry in ClinVar:

ClinVar aggregate classification (germline): Uncertain significance (1 of 4 stars; one submission).

Conditions:
Charcot-Marie-Tooth disease type 2E (CMT2E). Also called: CHARCOT-MARIE-TOOTH DISEASE, AXONAL, TYPE 2E; CHARCOT-MARIE-TOOTH NEUROPATHY, TYPE 2E. Identifiers: Orphanet 99939, MedGen C1843225, MONDO:0011894, OMIM 607684.

Allele frequency attached by ClinVar (database versions not stated): ExAC 0.00001; gnomAD 0.00001; TOPMed 0.00001.
gnomAD v4.1: 4 of 1,602,742 alleles (0.00025%); highest among the groups gnomAD compares: Middle Eastern, 0.017%; no homozygotes.

Submission:

Labcorp Genetics (formerly Invitae), Labcorp
Classification: Uncertain significance for Charcot-Marie-Tooth disease type 2E. Last evaluated: 2023-10-06. Review status: criteria provided, single submitter. Criteria: Invitae Variant Classification Sherloc (09022015). Collection method: clinical testing. Allele origin: germline.
Comment: This sequence change replaces arginine, which is basic and polar, with serine, which is neutral and polar, at codon 30 of the NEFL protein (p.Arg30Ser). The frequency data for this variant in the population databases is considered unreliable, as metrics indicate poor data quality at this position in the gnomAD database. This variant has not been reported in the literature in individuals affected with NEFL-related conditions. Advanced modeling of protein sequence and biophysical properties (such as structural, functional, and spatial information, amino acid conservation, physicochemical variation, residue mobility, and thermodynamic stability) has been performed at Invitae for this missense variant, however the output from this modeling did not meet the statistical confidence thresholds required to predict the impact of this variant on NEFL protein function. In summary, the available evidence is currently insufficient to determine the role of this variant in disease. Therefore, it has been classified as a Variant of Uncertain Significance.

NM_006158.5(NEFL):c.88C>A (p.Arg30Ser)

Gene: NEFL (neurofilament light chain; minus strand). Cytogenetic location: 8p21.2.
Variant type: single nucleotide variant.
Coding change: c.88C>A on transcript NM_006158.5 (MANE Select); coding-DNA position 88, C replaced by A.
Protein change: p.Arg30Ser; replaces arginine 30 with serine.
Molecular consequence: missense variant.
Genome position (GRCh38, 1-based): chr8:24,956,428, G>T on the plus strand (C>A on the coding strand, the complement: NEFL is on the minus strand). VCF-style: chr8-24956428-G-T. GRCh37 (hg19) VCF-style: chr8-24813942-G-T.
Other names: short protein forms R30S.
Identifiers: ClinVar variation 2890178 (VCV002890178.3), dbSNP rs781658190, ClinGen allele CA4681553.
Genomic context (GRCh38, chr8:24,956,428, plus strand): 5'-AGGAAGACACCGGCGCCGAGTAGCTGGAGTAAGCTGAGCGTGCGGTGCTGTAGCCGCTGC[G>T]CACGCTGGAGATGTGCACCCGGGGCGTCTCCACGTAGCGCCGCTTGTAGGAGGTCGAGTA-3'
Protein context (NP_006149.2, residues 20-40): ETPRVHISSV[Arg30Ser]SGYSTARSAY